The following is an entry in ClinVar:

ClinVar aggregate classification (germline): Uncertain significance. Review status: criteria provided, multiple submitters, no conflicts (2 of 4 stars). 2 submissions from 2 submitters: Uncertain significance (2). Last evaluated 2025-10-11.

Allele frequency attached by ClinVar (database versions not stated): gnomAD 0.00014; ExAC 0.00021; TOPMed 0.00022; gnomAD exomes 0.00024.

Submissions (2):

Labcorp Genetics (formerly Invitae), Labcorp
Classification: Uncertain significance. Last evaluated: 2025-10-11. Review status: criteria provided, single submitter. Criteria: Invitae Variant Classification Sherloc (09022015). Collection method: clinical testing. Allele origin: germline.
Comment: This sequence change replaces threonine, which is neutral and polar, with alanine, which is neutral and non-polar, at codon 194 of the MRPL12 protein (p.Thr194Ala). This variant is present in population databases (rs764594902, gnomAD 0.04%). This variant has not been reported in the literature in individuals affected with MRPL12-related conditions. ClinVar contains an entry for this variant (Variation ID: 2052943). An algorithm developed to predict the effect of missense changes on protein structure and function (PolyPhen-2) suggests that this variant is likely to be disruptive. In summary, the available evidence is currently insufficient to determine the role of this variant in disease. Therefore, it has been classified as a Variant of Uncertain Significance.

Ambry Genetics
Classification: Uncertain significance. Last evaluated: 2021-08-23. Review status: criteria provided, single submitter. Criteria: Ambry Variant Classification Scheme 2023. Collection method: clinical testing. Allele origin: germline.

NM_002949.4(MRPL12):c.580A>G (p.Thr194Ala)

Gene: MRPL12 (mitochondrial ribosomal protein L12; plus strand). Cytogenetic location: 17q25.3.
Variant type: single nucleotide variant.
Coding change: c.580A>G on transcript NM_002949.4 (MANE Select); coding-DNA position 580, A replaced by G.
Protein change: p.Thr194Ala; replaces threonine 194 with alanine.
Molecular consequence: missense variant.
Genome position (GRCh38, 1-based): chr17:81,707,223, A>G. VCF-style: chr17-81707223-A-G. GRCh37 (hg19) VCF-style: chr17-79674253-A-G.
Other names: short protein forms T194A.
Identifiers: ClinVar variation 2052943 (VCV002052943.5), dbSNP rs764594902, ClinGen allele CA8841439.